The following is an entry in ClinVar:

ClinVar aggregate classification (germline): Uncertain significance (0 of 4 stars; one submission).

Conditions:
CUBN-related disorder. Also called: CUBN-related condition.

Submission:

PreventionGenetics, part of Exact Sciences
Classification: Uncertain significance for CUBN-related condition. Last evaluated: 2024-02-09. Review status: no assertion criteria provided. Collection method: clinical testing. Allele origin: germline.
Comment: The CUBN c.9797G>C variant is predicted to result in the amino acid substitution p.Gly3266Ala. To our knowledge, this variant has not been reported in the literature or in a large population database, indicating this variant is rare. At this time, the clinical significance of this variant is uncertain due to the absence of conclusive functional and genetic evidence.

NM_001081.4(CUBN):c.9797G>C (p.Gly3266Ala)

Gene: CUBN (cubilin; minus strand). Cytogenetic location: 10p13.
Variant type: single nucleotide variant.
Coding change: c.9797G>C on transcript NM_001081.4 (MANE Select); coding-DNA position 9797, G replaced by C.
Protein change: p.Gly3266Ala; replaces glycine 3266 with alanine.
Molecular consequence: missense variant.
Genome position (GRCh38, 1-based): chr10:16,840,914, C>G on the plus strand (G>C on the coding strand, the complement: CUBN is on the minus strand). VCF-style: chr10-16840914-C-G. GRCh37 (hg19) VCF-style: chr10-16882913-C-G.
Other names: short protein forms G3266A.
Identifiers: ClinVar variation 3061232 (VCV003061232.2), dbSNP rs754724047, ClinGen allele CA376124212.